The following is an entry in ClinVar:

ClinVar aggregate classification (germline): Uncertain significance. Review status: criteria provided, multiple submitters, no conflicts (2 of 4 stars). 2 submissions from 2 submitters: Uncertain significance (2). Last evaluated 2025-08-05.

Conditions:
Inborn genetic diseases. Identifiers: MedGen C0950123, MeSH D030342.
Hepatic veno-occlusive disease-immunodeficiency syndrome. Also called: Hepatic Veno-Occlusive Disease with Immunodeficiency. Identifiers: Orphanet 79124, MedGen C1856128, MONDO:0009338, OMIM 235550. Disease mechanism: loss of function.

Allele frequency attached by ClinVar (database versions not stated): ExAC 0.00002; gnomAD exomes 0.00002; gnomAD 0.00004; TOPMed 0.00004; ESP Exome Variant Server 0.00015.
gnomAD v4.1: 30 of 1,602,204 alleles (0.0019%); highest among the groups gnomAD compares: Middle Eastern, 0.016%; no homozygotes.

Submissions (2):

Ambry Genetics
Classification: Uncertain significance for Inborn genetic diseases. Last evaluated: 2025-08-05. Review status: criteria provided, single submitter. Criteria: Ambry Variant Classification Scheme 2023. Collection method: clinical testing. Allele origin: germline.

Labcorp Genetics (formerly Invitae), Labcorp
Classification: Uncertain significance for Hepatic veno-occlusive disease-immunodeficiency syndrome. Last evaluated: 2023-05-08. Review status: criteria provided, single submitter. Criteria: Invitae Variant Classification Sherloc (09022015). Collection method: clinical testing. Allele origin: germline.
Comment: In summary, the available evidence is currently insufficient to determine the role of this variant in disease. Therefore, it has been classified as a Variant of Uncertain Significance. An algorithm developed to predict the effect of missense changes on protein structure and function (PolyPhen-2) suggests that this variant is likely to be disruptive. ClinVar contains an entry for this variant (Variation ID: 2179434). This variant has not been reported in the literature in individuals affected with SP110-related conditions. This variant is present in population databases (rs150606938, gnomAD 0.005%). This sequence change replaces glycine, which is neutral and non-polar, with arginine, which is basic and polar, at codon 657 of the SP110 protein (p.Gly657Arg).

NM_080424.4(SP110):c.2041G>C (p.Gly681Arg)

Gene: SP110 (SP110 nuclear body protein; minus strand). Cytogenetic location: 2q37.1.
Variant type: single nucleotide variant.
Coding change: c.2041G>C on transcript NM_080424.4 (MANE Select); coding-DNA position 2041, G replaced by C.
Protein change: p.Gly681Arg; replaces glycine 681 with arginine.
Molecular consequence: missense variant.
Genome position (GRCh38, 1-based): chr2:230,169,225, C>G on the plus strand (G>C on the coding strand, the complement: SP110 is on the minus strand). VCF-style: chr2-230169225-C-G. GRCh37 (hg19) VCF-style: chr2-231033941-C-G.
Other names: c.2137G>C, p.Gly713Arg (NM_001378442.1); c.2119G>C, p.Gly707Arg (NM_001378443.1); c.2059G>C, p.Gly687Arg (NM_001378444.1); c.1987G>C, p.Gly663Arg (NM_001378445.1); c.1846G>C, p.Gly616Arg (NM_001378446.1); c.1969G>C, p.Gly657Arg (NM_004509.5); c.1969G>C (NM_004509.3); short protein forms G687R, G713R, G616R, G657R, G707R, G663R, G681R.
Identifiers: ClinVar variation 2179434 (VCV002179434.3), dbSNP rs150606938, ClinGen allele CA2154250.
Genomic context (GRCh38, chr2:230,169,225, plus strand): 5'-AACCGAGCACGTCTTTGAGATCTTTTTCAAATTCTGCCTCTAAGTCAAGTCCTACCTGGC[C>G]AAAGTCAGAAGCCTGAAAGAGAAAAAAGCAAACAAACACATTGAAGGATGAAGGATTACA-3'
Protein context (NP_536349.3, residues 671-691): HKTFYKASDF[Gly681Arg]QVGLDLEAEF